The following is an entry in ClinVar:

ClinVar aggregate classification (germline): Uncertain significance (1 of 4 stars; one submission).

Allele frequency attached by ClinVar (database versions not stated): ExAC 0.00002; gnomAD 0.00002; gnomAD exomes 0.00002; 1000 Genomes Project 0.00020; 1000 Genomes Project 30x 0.00031.

Submission:

Labcorp Genetics (formerly Invitae), Labcorp
Classification: Uncertain significance. Last evaluated: 2024-01-25. Review status: criteria provided, single submitter. Criteria: Invitae Variant Classification Sherloc (09022015). Collection method: clinical testing. Allele origin: germline.
Comment: This sequence change replaces glutamic acid, which is acidic and polar, with valine, which is neutral and non-polar, at codon 487 of the HPS6 protein (p.Glu487Val). This variant is present in population databases (rs565815987, gnomAD 0.02%). This variant has not been reported in the literature in individuals affected with HPS6-related conditions. Advanced modeling of protein sequence and biophysical properties (such as structural, functional, and spatial information, amino acid conservation, physicochemical variation, residue mobility, and thermodynamic stability) performed at Invitae indicates that this missense variant is not expected to disrupt HPS6 protein function with a negative predictive value of 80%. In summary, the available evidence is currently insufficient to determine the role of this variant in disease. Therefore, it has been classified as a Variant of Uncertain Significance.

NM_024747.6(HPS6):c.1460A>T (p.Glu487Val)

Gene: HPS6 (HPS6 biogenesis of lysosomal organelles complex 2 subunit 3; plus strand). Cytogenetic location: 10q24.32.
Variant type: single nucleotide variant.
Coding change: c.1460A>T on transcript NM_024747.6 (MANE Select); coding-DNA position 1460, A replaced by T.
Protein change: p.Glu487Val; replaces glutamic acid 487 with valine.
Molecular consequence: missense variant.
Genome position (GRCh38, 1-based): chr10:102,066,934, A>T. VCF-style: chr10-102066934-A-T. GRCh37 (hg19) VCF-style: chr10-103826691-A-T.
Other names: short protein forms E487V.
Identifiers: ClinVar variation 2877145 (VCV002877145.3), dbSNP rs565815987, ClinGen allele CA5659987.